The following is an entry in ClinVar:

ClinVar aggregate classification (germline): Uncertain significance (1 of 4 stars; one submission).

Submission:

Labcorp Genetics (formerly Invitae), Labcorp
Classification: Uncertain significance. Last evaluated: 2023-11-11. Review status: criteria provided, single submitter. Criteria: Invitae Variant Classification Sherloc (09022015). Collection method: clinical testing. Allele origin: germline.
Comment: This sequence change creates a premature translational stop signal (p.Gln831*) in the ERBIN gene. It is expected to result in an absent or disrupted protein product. However, the current clinical and genetic evidence is not sufficient to establish whether loss-of-function variants in ERBIN cause disease. This variant is not present in population databases (gnomAD no frequency). This variant has not been reported in the literature in individuals affected with ERBIN-related conditions. In summary, the available evidence is currently insufficient to determine the role of this variant in disease. Therefore, it has been classified as a Variant of Uncertain Significance.

NM_001253697.2(ERBIN):c.2491C>T (p.Gln831Ter)

Gene: ERBIN (erbb2 interacting protein; plus strand). Cytogenetic location: 5q12.3.
Variant type: single nucleotide variant.
Coding change: c.2491C>T on transcript NM_001253697.2 (MANE Select); coding-DNA position 2491, C replaced by T.
Protein change: p.Gln831Ter; replaces glutamine 831 with a stop codon.
Molecular consequence: nonsense.
Genome position (GRCh38, 1-based): chr5:66,053,809, C>T. VCF-style: chr5-66053809-C-T. GRCh37 (hg19) VCF-style: chr5-65349637-C-T.
Other names: c.2491C>T, p.Gln831Ter (NM_018695.4, NM_001006600.3, NM_001253698.2 and 1 more transcripts); c.2479C>T, p.Gln827Ter (NM_001253701.2); short protein forms Q831*, Q827*.
Identifiers: ClinVar variation 2695092 (VCV002695092.3), dbSNP rs2546811945, ClinGen allele CA359866985.
Genomic context (GRCh38, chr5:66,053,809, plus strand): 5'-AACAAGTATCCTAATTTGGAATCCGTAAATAAGGTAAATGGACATTCTGAGGAAACTTCC[C>T]AGTCTCCTAATAGGACTGAACCACATGACAGTGATTGTTCTGTTGACTTAGGTATTTCCA-3'